The following is an entry in ClinVar:

NM_002206.3(ITGA7):c.1768G>T (p.Val590Leu)

Gene: ITGA7 (integrin subunit alpha 7; minus strand). Cytogenetic location: 12q13.2.
Variant type: single nucleotide variant.
Coding change: c.1768G>T on transcript NM_002206.3 (MANE Select); coding-DNA position 1768, G replaced by T.
Protein change: p.Val590Leu; replaces valine 590 with leucine.
Molecular consequence: missense variant.
Genome position (GRCh38, 1-based): chr12:55,696,402, C>A on the plus strand (G>T on the coding strand, the complement: ITGA7 is on the minus strand). VCF-style: chr12-55696402-C-A. GRCh37 (hg19) VCF-style: chr12-56090186-C-A.
Other names: c.1780G>T, p.Val594Leu (NM_001144996.2); c.1489G>T, p.Val497Leu (NM_001144997.2); c.1441G>T, p.Val481Leu (NM_001367993.1); c.424G>T, p.Val142Leu (NM_001367994.1); c.1750G>T, p.Val584Leu (NM_001374465.1); c.1900G>T, p.Val634Leu (NM_001410977.1); c.1762G>T, p.Val588Leu (NM_001414029.1); c.1693G>T, p.Val565Leu (NM_001414030.1); and 5 more; short protein forms V584L, V594L, V481L, V497L, V142L, V590L, V634L, V529L.
Identifiers: ClinVar variation 1357938 (VCV001357938.6), dbSNP rs2136015647, ClinGen allele CA385187625.

ClinVar aggregate classification (germline): Uncertain significance (1 of 4 stars; one submission).

Conditions:
Congenital muscular dystrophy due to integrin alpha-7 deficiency. Also called: MYOPATHY, CONGENITAL, DUE TO INTEGRIN ALPHA-7 DEFICIENCY; Congenital muscular dystrophy with integrin alpha-7 deficiency; Muscular dystrophy, congenital, due to ITGA7 deficiency. Identifiers: Orphanet 34520, MedGen C2750786, MONDO:0013177, OMIM 613204.

Allele frequency attached by ClinVar (database versions not stated): gnomAD exomes below 0.00001.
gnomAD v4.1: 1 of 1,601,392 alleles (0.000062%); highest among the groups gnomAD compares: African/African-American, 0.0013%; no homozygotes.

Submission:

Labcorp Genetics (formerly Invitae), Labcorp
Classification: Uncertain significance for Congenital muscular dystrophy due to integrin alpha-7 deficiency. Last evaluated: 2024-05-20. Review status: criteria provided, single submitter. Criteria: Invitae Variant Classification Sherloc (09022015). Collection method: clinical testing. Allele origin: germline.
Comment: This sequence change replaces valine, which is neutral and non-polar, with leucine, which is neutral and non-polar, at codon 590 of the ITGA7 protein (p.Val590Leu). This variant is not present in population databases (gnomAD no frequency). This variant has not been reported in the literature in individuals affected with ITGA7-related conditions. ClinVar contains an entry for this variant (Variation ID: 1357938). Advanced modeling of protein sequence and biophysical properties (such as structural, functional, and spatial information, amino acid conservation, physicochemical variation, residue mobility, and thermodynamic stability) performed at Invitae indicates that this missense variant is not expected to disrupt ITGA7 protein function with a negative predictive value of 80%. In summary, the available evidence is currently insufficient to determine the role of this variant in disease. Therefore, it has been classified as a Variant of Uncertain Significance.